The following is an entry in ClinVar:

NM_012186.3(FOXE3):c.629C>G (p.Pro210Arg)

Genes: FOXE3 (forkhead box E3; plus strand), LINC01389 (long independently transcribed non-coding RNA 1389; minus strand). Cytogenetic location: 1p33.
Variant type: single nucleotide variant.
Coding change: c.629C>G on transcript NM_012186.3 (MANE Select); coding-DNA position 629, C replaced by G.
Protein change: p.Pro210Arg; replaces proline 210 with arginine.
Molecular consequence: missense variant.
Genome position (GRCh38, 1-based): chr1:47,416,944, C>G. VCF-style: chr1-47416944-C-G. GRCh37 (hg19) VCF-style: chr1-47882616-C-G.
Other names: short protein forms P210R.
Identifiers: ClinVar variation 661663 (VCV000661663.11), dbSNP rs780276474, ClinGen allele CA340250374.

ClinVar aggregate classification (germline): Uncertain significance. Review status: criteria provided, multiple submitters, no conflicts (2 of 4 stars). 2 submissions from 2 submitters: Uncertain significance (2). Last evaluated 2025-09-14.

Conditions:
Congenital primary aphakia. Also called: ANTERIOR SEGMENT DYSGENESIS 2; Anterior segment dysgenesis 2, multiple subtypes. Identifiers: Orphanet 83461, MedGen C1853230, MONDO:0012456, OMIM 610256.
Anterior segment dysgenesis. Also called: Ocular anterior segment dysgenesis. Identifiers: Orphanet 88632, MedGen C1862839, MONDO:0019503, HP:0007700.
Cardiovascular phenotype. Identifiers: MedGen CN230736.

Allele frequency attached by ClinVar (database versions not stated): gnomAD 0.00003; TOPMed 0.00003.
gnomAD v4.1: 14 of 1,332,616 alleles (0.0011%); highest among the groups gnomAD compares: Non-Finnish European, 0.0012%; no homozygotes.

Submissions (2):

Labcorp Genetics (formerly Invitae), Labcorp
Classification: Uncertain significance for Anterior segment dysgenesis; Congenital primary aphakia. Last evaluated: 2025-09-14. Review status: criteria provided, single submitter. Criteria: Invitae Variant Classification Sherloc (09022015). Collection method: clinical testing. Allele origin: germline.
Comment: This sequence change replaces proline, which is neutral and non-polar, with arginine, which is basic and polar, at codon 210 of the FOXE3 protein (p.Pro210Arg). This variant is present in population databases (no rsID available, gnomAD 0.007%). This variant has not been reported in the literature in individuals affected with FOXE3-related conditions. ClinVar contains an entry for this variant (Variation ID: 661663). Invitae Evidence Modeling of protein sequence and biophysical properties (such as structural, functional, and spatial information, amino acid conservation, physicochemical variation, residue mobility, and thermodynamic stability) indicates that this missense variant is not expected to disrupt FOXE3 protein function with a negative predictive value of 80%. In summary, the available evidence is currently insufficient to determine the role of this variant in disease. Therefore, it has been classified as a Variant of Uncertain Significance.

Ambry Genetics
Classification: Uncertain significance for Cardiovascular phenotype. Last evaluated: 2025-02-23. Review status: criteria provided, single submitter. Criteria: Ambry Variant Classification Scheme 2023. Collection method: clinical testing. Allele origin: germline.
Comment: The p.P210R variant (also known as c.629C>G), located in coding exon 1 of the FOXE3 gene, results from a C to G substitution at nucleotide position 629. The proline at codon 210 is replaced by arginine, an amino acid with dissimilar properties. This amino acid position is not well conserved in available vertebrate species. In addition, this alteration is predicted to be tolerated by in silico analysis. Since supporting evidence is limited at this time, the clinical significance of this alteration remains unclear.